The following is an entry in ClinVar:

ClinVar aggregate classification (germline): Uncertain significance (1 of 4 stars; one submission).

Conditions:
Hypertrophic cardiomyopathy. Also called: HYPERTROPHIC MYOCARDIOPATHY. Identifiers: Orphanet 217569, MedGen C0007194, MeSH D002312, MONDO:0005045, HP:0001639.

Submission:

Labcorp Genetics (formerly Invitae), Labcorp
Classification: Uncertain significance for Hypertrophic cardiomyopathy. Last evaluated: 2022-09-12. Review status: criteria provided, single submitter. Criteria: Invitae Variant Classification Sherloc (09022015). Collection method: clinical testing. Allele origin: germline.
Comment: This sequence change replaces arginine, which is basic and polar, with leucine, which is neutral and non-polar, at codon 1863 of the MYH7 protein (p.Arg1863Leu). This variant is not present in population databases (gnomAD no frequency). This variant has not been reported in the literature in individuals affected with MYH7-related conditions. Advanced modeling of protein sequence and biophysical properties (such as structural, functional, and spatial information, amino acid conservation, physicochemical variation, residue mobility, and thermodynamic stability) has been performed at Invitae for this missense variant, however the output from this modeling did not meet the statistical confidence thresholds required to predict the impact of this variant on MYH7 protein function. In summary, the available evidence is currently insufficient to determine the role of this variant in disease. Therefore, it has been classified as a Variant of Uncertain Significance.

NM_000257.4(MYH7):c.5588G>T (p.Arg1863Leu)

Gene: MYH7 (myosin heavy chain 7; minus strand). Cytogenetic location: 14q11.2.
Variant type: single nucleotide variant.
Coding change: c.5588G>T on transcript NM_000257.4 (MANE Select); coding-DNA position 5588, G replaced by T.
Protein change: p.Arg1863Leu; replaces arginine 1863 with leucine.
Molecular consequence: missense variant.
Genome position (GRCh38, 1-based): chr14:23,414,074, C>A on the plus strand (G>T on the coding strand, the complement: MYH7 is on the minus strand). VCF-style: chr14-23414074-C-A. GRCh37 (hg19) VCF-style: chr14-23883283-C-A.
Other names: c.5588G>T, p.Arg1863Leu (NM_001407004.1); short protein forms R1863L.
Identifiers: ClinVar variation 2128046 (VCV002128046.4), dbSNP rs45520836, ClinGen allele CA389034917.